The following is an entry in ClinVar:

ClinVar aggregate classification (germline): Likely benign (0 of 4 stars; one submission).

Conditions:
SBF2-related disorder. Also called: SBF2-related condition.

gnomAD v4.1: 5 of 1,612,322 alleles (0.00031%); highest among the groups gnomAD compares: East Asian, 0.011%; no homozygotes.

Submission:

PreventionGenetics, part of Exact Sciences
Classification: Likely benign for SBF2-related condition. Last evaluated: 2024-02-09. Review status: no assertion criteria provided. Collection method: clinical testing. Allele origin: germline.
Comment: This variant is classified as likely benign based on ACMG/AMP sequence variant interpretation guidelines (Richards et al. 2015 PMID: 25741868, with internal and published modifications).

NM_030962.4(SBF2):c.4444-9G>T

Genes: SBF2 (SET binding factor 2; minus strand), SBF2-AS1 (SBF2 antisense RNA 1; plus strand). Cytogenetic location: 11p15.4.
Variant type: single nucleotide variant.
Coding change: c.4444-9G>T on transcript NM_030962.4 (MANE Select); 9 bases into the intron before coding-DNA position 4444, G replaced by T.
Molecular consequence: intron variant.
Genome position (GRCh38, 1-based): chr11:9,795,966, C>A on the plus strand (G>T on the coding strand, the complement: SBF2 is on the minus strand). VCF-style: chr11-9795966-C-A. GRCh37 (hg19) VCF-style: chr11-9817513-C-A.
Other names: c.4480-9G>T (NM_001424318.1); c.4315-9G>T (NM_001386342.1); c.4540-9G>T (NM_001386339.1).
Identifiers: ClinVar variation 3061237 (VCV003061237.2), dbSNP rs1185198722, ClinGen allele CA2612439411.